The following is an entry in ClinVar:

NM_000350.3(ABCA4):c.4539+1100A>G

Gene: ABCA4 (ATP binding cassette subfamily A member 4; minus strand). Cytogenetic location: 1p22.1.
Variant type: single nucleotide variant.
Coding change: c.4539+1100A>G on transcript NM_000350.3 (MANE Select); 1100 bases into the intron after coding-DNA position 4539, A replaced by G.
Molecular consequence: intron variant.
Genome position (GRCh38, 1-based): chr1:94,028,345, T>C on the plus strand (A>G on the coding strand, the complement: ABCA4 is on the minus strand). VCF-style: chr1-94028345-T-C. GRCh37 (hg19) VCF-style: chr1-94493901-T-C.
Identifiers: ClinVar variation 2890087 (VCV002890087.6), dbSNP rs2523718258, ClinGen allele CA2586966871.

ClinVar aggregate classification (germline): Pathogenic/Likely pathogenic. Review status: criteria provided, multiple submitters, no conflicts (2 of 4 stars). 3 submissions from 3 submitters: Pathogenic (2); Likely pathogenic (1). Last evaluated 2023-09-21.

Conditions:
ABCA4-related disorder. Also called: ABCA4-related disorders; ABCA4-related condition. Identifiers: MedGen CN239167.
Cone-rod dystrophy 3 (CORD3). Identifiers: Orphanet 1872, MedGen C1858806, MONDO:0011395, OMIM 604116.
Age related macular degeneration 2. Also called: MACULAR DEGENERATION, SENILE; MACULOPATHY, AGE-RELATED, 2; MACULOPATHY, AGE-RELATED. Identifiers: MedGen C3495438, MONDO:0007932, OMIM 153800.
Severe early-childhood-onset retinal dystrophy (STGD1). Also called: MACULAR DYSTROPHY WITH FLECKS, TYPE 1; STGD; Stargardt macular dystrophy; Juvenile onset macular degeneration; Stargardt disease 1. Identifiers: Orphanet 364055, Orphanet 827, MedGen C1855465, MeSH D000080362, MONDO:0009549, OMIM 248200.
Retinitis pigmentosa 19 (RP19). Also called: ABCA4-Related Retinitis Pigmentosa. Identifiers: Orphanet 791, MedGen C1866422, MONDO:0011137, OMIM 601718.

Submissions (3):

Blueprint Genetics
Classification: Pathogenic for ABCA4-related disorders. Last evaluated: 2023-09-21. Review status: criteria provided, single submitter. Criteria: ACMG Guidelines, 2015. Collection method: clinical testing. Allele origin: germline. Affected: yes. Observed: 1 variant allele.

Labcorp Genetics (formerly Invitae), Labcorp
Classification: Pathogenic. Last evaluated: 2023-04-09. Review status: criteria provided, single submitter. Criteria: Invitae Variant Classification Sherloc (09022015). Collection method: clinical testing. Allele origin: germline.
Comment: For these reasons, this variant has been classified as Pathogenic. Studies have shown that this variant alters mRNA splicing and is expected to lead to the loss of protein expression (PMID: 30643219). This variant has been observed in individual(s) with cone-rod dystrophy and/or Stargardt disease (PMID: 30643219, 33301772, 35657619). In at least one individual the data is consistent with being in trans (on the opposite chromosome) from a pathogenic variant. This variant is not present in population databases (gnomAD no frequency). This sequence change falls in intron 30 of the ABCA4 gene. It does not directly change the encoded amino acid sequence of the ABCA4 protein.

Juno Genomics, Hangzhou Juno Genomics, Inc
Classification: Likely pathogenic for Age related macular degeneration 2; Cone-rod dystrophy 3; Severe early-childhood-onset retinal dystrophy; Retinitis pigmentosa 19. Review status: criteria provided, single submitter. Criteria: ACMG Guidelines, 2015. Collection method: clinical testing. Allele origin: germline.
Comment: Absent from controls (or at extremely low frequency if recessive) in Genome Aggregation Database.;Null variant in a gene where loss of function (LOF) is a known mechanism of disease.;For recessive disorders, detected in trans with a pathogenic variant.

Literature cited by the submitters: PubMed 30643219 (cited by Labcorp Genetics (formerly Invitae), Labcorp); PubMed 33301772 (cited by Labcorp Genetics (formerly Invitae), Labcorp); PubMed 35657619 (cited by Labcorp Genetics (formerly Invitae), Labcorp).